The following is an entry in ClinVar:

NM_004380.3(CREBBP):c.2987A>G (p.Glu996Gly)

Gene: CREBBP (CREB binding protein; minus strand). Cytogenetic location: 16p13.3.
Variant type: single nucleotide variant.
Coding change: c.2987A>G on transcript NM_004380.3 (MANE Select); coding-DNA position 2987, A replaced by G.
Protein change: p.Glu996Gly; replaces glutamic acid 996 with glycine.
Molecular consequence: missense variant.
Genome position (GRCh38, 1-based): chr16:3,769,247, T>C on the plus strand (A>G on the coding strand, the complement: CREBBP is on the minus strand). VCF-style: chr16-3769247-T-C. GRCh37 (hg19) VCF-style: chr16-3819248-T-C.
Other names: c.2873A>G, p.Glu958Gly (NM_001079846.1); short protein forms E958G, E996G.
Identifiers: ClinVar variation 1698143 (VCV001698143.2), dbSNP rs976900349, ClinGen allele CA276968319.
Genomic context (GRCh38, chr16:3,769,247, plus strand): 5'-TCCCCTTTGGATTCACCAGGATCGGGCTCAGTGTCCTCTGCTTGGGTCTCCGTCTTCATT[T>C]CCAGCACAGGTACGTCAGGTCCTGGCTGCTGGGAATTGGTTTCTGCGCTGGCCACCGAGG-3'
Protein context (NP_004371.2, residues 986-1006): QQPGPDVPVL[Glu996Gly]MKTETQAEDT

ClinVar aggregate classification (germline): Uncertain significance (1 of 4 stars; one submission).

Allele frequency attached by ClinVar (database versions not stated): TOPMed below 0.00001.

Submission:

GeneDx
Classification: Uncertain significance. Last evaluated: 2022-01-20. Review status: criteria provided, single submitter. Criteria: GeneDx Variant Classification Process June 2021. Collection method: clinical testing. Allele origin: germline. Affected: yes.
Comment: Not observed at significant frequency in large population cohorts (gnomAD); In silico analysis supports that this missense variant has a deleterious effect on protein structure/function; Has not been previously published as pathogenic or benign to our knowledge